The following is an entry in ClinVar:

NM_001440538.1(TUB):c.56+19520_56+19523dup

Gene: TUB (TUB bipartite transcription factor; plus strand). Cytogenetic location: 11p15.4.
Variant type: Duplication.
Coding change: c.56+19520_56+19523dup on transcript NM_001440538.1; bases 19520 to 19523 of the intron after coding-DNA position 56, 4 bases duplicated (GGGC; older notation c.56+19520_56+19523dupGGGC).
Molecular consequence: intron variant. On other transcripts: frameshift variant (1).
Genome position (GRCh38, 1-based): chr11:8,038,878-8,038,881, GGGC duplicated. VCF-style (leftmost placement, unchanged base first): chr11-8038877-G-GGGGC. GRCh37 (hg19) VCF-style: chr11-8060424-G-GGGGC.
Other names: c.5_8dup, p.Arg4fs (NM_003320.5); c.56+19520_56+19523dup (NM_001440539.1, NM_001440540.1, NM_001440542.1); short protein forms R4fs.
Identifiers: ClinVar variation 1386936 (VCV001386936.7), dbSNP rs2133727492, ClinGen allele CA2573147214.

ClinVar aggregate classification (germline): Uncertain significance (1 of 4 stars; one submission).

Allele frequency attached by ClinVar (database versions not stated): gnomAD exomes below 0.00001.

Submission:

Labcorp Genetics (formerly Invitae), Labcorp
Classification: Uncertain significance. Last evaluated: 2021-07-20. Review status: criteria provided, single submitter. Criteria: Invitae Variant Classification Sherloc (09022015). Collection method: clinical testing. Allele origin: germline.
Comment: In summary, the available evidence is currently insufficient to determine the role of this variant in disease. Therefore, it has been classified as a Variant of Uncertain Significance. This variant has not been reported in the literature in individuals affected with TUB-related conditions. This variant is not present in population databases (ExAC no frequency). This sequence change creates a premature translational stop signal (p.Arg4Glyfs*70) in the TUB gene. However, it is currently unclear if variants that occur in this region of the gene cause disease.